The following is an entry in ClinVar:

NM_001365536.1(SCN9A):c.16C>A (p.Pro6Thr)

Gene: SCN9A (sodium voltage-gated channel alpha subunit 9; minus strand). Cytogenetic location: 2q24.3.
Variant type: single nucleotide variant.
Coding change: c.16C>A on transcript NM_001365536.1 (MANE Select); coding-DNA position 16, C replaced by A.
Protein change: p.Pro6Thr; replaces proline 6 with threonine.
Molecular consequence: missense variant.
Genome position (GRCh38, 1-based): chr2:166,311,741, G>T on the plus strand (C>A on the coding strand, the complement: SCN9A is on the minus strand). VCF-style: chr2-166311741-G-T. GRCh37 (hg19) VCF-style: chr2-167168251-G-T.
Other names: c.16C>A, p.Pro6Thr (NM_002977.4); short protein forms P6T.
Identifiers: ClinVar variation 3747925 (VCV003747925.2).
Genomic context (GRCh38, chr2:166,311,741, plus strand): 5'-GTTGTTCAATGAGGGCAAGAGACTGTTTTGTGAAATGGACAAAGCTCTGAGGTCCTGGGG[G>T]AGGCAACATTGCCATCTTTTCATCCTGTATATTTTAATTCCTCTTCAGCTCCTCACATAA-3'
Protein context (NP_001352465.1, residues 1-16): MAMLP[Pro6Thr]PGPQSFVHFT

ClinVar aggregate classification (germline): Uncertain significance (1 of 4 stars; one submission).

Conditions:
Generalized epilepsy with febrile seizures plus, type 7 (GEFSP7). Also called: GEFS+, TYPE 7. Identifiers: Orphanet 36387, MedGen C2751778, MONDO:0013470, OMIM 613863.
Neuropathy, hereditary sensory and autonomic, type 2A (HSAN2A). Also called: MORVAN DISEASE; NEUROPATHY, CONGENITAL SENSORY; NEUROPATHY, HEREDITARY SENSORY RADICULAR, AUTOSOMAL RECESSIVE; NEUROPATHY, HEREDITARY SENSORY, TYPE IIA; NEUROPATHY, PROGRESSIVE SENSORY, OF CHILDREN; HSAN IIA. Identifiers: Orphanet 970, MedGen C2752089, MONDO:0024309, OMIM 201300.

Submission:

Labcorp Genetics (formerly Invitae), Labcorp
Classification: Uncertain significance for Neuropathy, hereditary sensory and autonomic, type 2A; Generalized epilepsy with febrile seizures plus, type 7. Last evaluated: 2024-03-07. Review status: criteria provided, single submitter. Criteria: Invitae Variant Classification Sherloc (09022015). Collection method: clinical testing. Allele origin: germline.
Comment: This sequence change replaces proline, which is neutral and non-polar, with threonine, which is neutral and polar, at codon 6 of the SCN9A protein (p.Pro6Thr). This variant is not present in population databases (gnomAD no frequency). This variant has not been reported in the literature in individuals affected with SCN9A-related conditions. Advanced modeling of protein sequence and biophysical properties (such as structural, functional, and spatial information, amino acid conservation, physicochemical variation, residue mobility, and thermodynamic stability) has been performed at Invitae for this missense variant, however the output from this modeling did not meet the statistical confidence thresholds required to predict the impact of this variant on SCN9A protein function. In summary, the available evidence is currently insufficient to determine the role of this variant in disease. Therefore, it has been classified as a Variant of Uncertain Significance.